The following is an entry in ClinVar:

ClinVar aggregate classification (germline): Uncertain significance. Review status: criteria provided, multiple submitters, no conflicts (2 of 4 stars). 2 submissions from 2 submitters: Uncertain significance (2). Last evaluated 2025-04-03.

Conditions:
Inborn genetic diseases. Identifiers: MedGen C0950123, MeSH D030342.
Hereditary spastic paraplegia 48. Also called: Spastic paraplegia 48; SPASTIC PARAPLEGIA 48, AUTOSOMAL RECESSIVE. Identifiers: Orphanet 306511, MedGen C3150901, MONDO:0013342, OMIM 613647.

Allele frequency attached by ClinVar (database versions not stated): gnomAD exomes 0.00003; ExAC 0.00006; gnomAD 0.00012; TOPMed 0.00014; ESP Exome Variant Server 0.00024.
gnomAD v4.1: 39 of 1,609,630 alleles (0.0024%); highest among the groups gnomAD compares: African/African-American, 0.043%; no homozygotes.

Submissions (2):

Ambry Genetics
Classification: Uncertain significance for Inborn genetic diseases. Last evaluated: 2025-04-03. Review status: criteria provided, single submitter. Criteria: Ambry Variant Classification Scheme 2023. Collection method: clinical testing. Allele origin: germline.

Labcorp Genetics (formerly Invitae), Labcorp
Classification: Uncertain significance for Hereditary spastic paraplegia 48. Last evaluated: 2023-12-18. Review status: criteria provided, single submitter. Criteria: Invitae Variant Classification Sherloc (09022015). Collection method: clinical testing. Allele origin: germline.
Comment: This sequence change replaces serine, which is neutral and polar, with arginine, which is basic and polar, at codon 732 of the AP5Z1 protein (p.Ser732Arg). This variant is present in population databases (rs201934980, gnomAD 0.04%). This variant has not been reported in the literature in individuals affected with AP5Z1-related conditions. ClinVar contains an entry for this variant (Variation ID: 838615). Advanced modeling of protein sequence and biophysical properties (such as structural, functional, and spatial information, amino acid conservation, physicochemical variation, residue mobility, and thermodynamic stability) performed at Invitae indicates that this missense variant is not expected to disrupt AP5Z1 protein function with a negative predictive value of 80%. In summary, the available evidence is currently insufficient to determine the role of this variant in disease. Therefore, it has been classified as a Variant of Uncertain Significance.

NM_014855.3(AP5Z1):c.2194A>C (p.Ser732Arg)

Gene: AP5Z1 (adaptor related protein complex 5 subunit zeta 1; plus strand). Cytogenetic location: 7p22.1.
Variant type: single nucleotide variant.
Coding change: c.2194A>C on transcript NM_014855.3 (MANE Select); coding-DNA position 2194, A replaced by C.
Protein change: p.Ser732Arg; replaces serine 732 with arginine.
Molecular consequence: missense variant. On other transcripts: non-coding transcript variant (1).
Genome position (GRCh38, 1-based): chr7:4,791,155, A>C. VCF-style: chr7-4791155-A-C. GRCh37 (hg19) VCF-style: chr7-4830786-A-C.
Other names: c.1726A>C, p.Ser576Arg (NM_001364858.1); short protein forms S576R, S732R.
Identifiers: ClinVar variation 838615 (VCV000838615.9), dbSNP rs201934980, ClinGen allele CA4138372.
Genomic context (GRCh38, chr7:4,791,155, plus strand): 5'-GAGGGACCTTCTTTCCCCAGGGCCTCTTTATTGCTGTCAAAGATGAGGACCCTGGCTCAC[A>C]GTCCAGCCACCAGCTCCACGCACAGCGAGGAGGGCGCGGAAGCCATCCGTACCCGGGCCA-3'
Protein context (NP_055670.1, residues 722-742): LLSKMRTLAH[Ser732Arg]PATSSTHSEE